The following is an entry in ClinVar:

NM_001040108.2(MLH3):c.4346C>G (p.Pro1449Arg)

Gene: MLH3 (mutL homolog 3; minus strand). Cytogenetic location: 14q24.3.
Variant type: single nucleotide variant.
Coding change: c.4346C>G on transcript NM_001040108.2 (MANE Select); coding-DNA position 4346, C replaced by G.
Protein change: p.Pro1449Arg; replaces proline 1449 with arginine.
Molecular consequence: missense variant.
Genome position (GRCh38, 1-based): chr14:75,017,098, G>C on the plus strand (C>G on the coding strand, the complement: MLH3 is on the minus strand). VCF-style: chr14-75017098-G-C. GRCh37 (hg19) VCF-style: chr14-75483801-G-C.
Other names: c.4274C>G, p.Pro1425Arg (NM_014381.3); short protein forms P1449R, P1425R.
Identifiers: ClinVar variation 1739888 (VCV001739888.2), dbSNP rs2503031782, ClinGen allele CA390417520.

ClinVar aggregate classification (germline): Uncertain significance (1 of 4 stars; one submission).

Submission:

Ambry Genetics
Classification: Uncertain significance. Last evaluated: 2021-08-07. Review status: criteria provided, single submitter. Criteria: Ambry Variant Classification Scheme 2023. Collection method: clinical testing. Allele origin: germline.
Comment: The p.P1449R variant (also known as c.4346C>G), located in coding exon 12 of the MLH3 gene, results from a C to G substitution at nucleotide position 4346. The proline at codon 1449 is replaced by arginine, an amino acid with dissimilar properties. This amino acid position is conserved. In addition, the in silico prediction for this alteration is inconclusive. Since supporting evidence is limited at this time, the clinical significance of this alteration remains unclear.